The following is an entry in ClinVar:

NM_005869.4(CWC27):c.933C>G (p.Ser311Arg)

Gene: CWC27 (CWC27 spliceosome associated cyclophilin; plus strand). Cytogenetic location: 5q12.3.
Variant type: single nucleotide variant.
Coding change: c.933C>G on transcript NM_005869.4 (MANE Select); coding-DNA position 933, C replaced by G.
Protein change: p.Ser311Arg; replaces serine 311 with arginine.
Molecular consequence: missense variant.
Genome position (GRCh38, 1-based): chr5:64,804,381, C>G. VCF-style: chr5-64804381-C-G. GRCh37 (hg19) VCF-style: chr5-64100208-C-G.
Other names: c.933C>G, p.Ser311Arg (NM_001364478.1, NM_001297644.1, NM_001297645.2 and 1 more transcripts); short protein forms S311R.
Identifiers: ClinVar variation 1394526 (VCV001394526.6), dbSNP rs2112214950, ClinGen allele CA359834277.

ClinVar aggregate classification (germline): Uncertain significance (1 of 4 stars; one submission).

Submission:

Labcorp Genetics (formerly Invitae), Labcorp
Classification: Uncertain significance. Last evaluated: 2022-08-09. Review status: criteria provided, single submitter. Criteria: Invitae Variant Classification Sherloc (09022015). Collection method: clinical testing. Allele origin: germline.
Comment: In summary, the available evidence is currently insufficient to determine the role of this variant in disease. Therefore, it has been classified as a Variant of Uncertain Significance. This sequence change replaces serine, which is neutral and polar, with arginine, which is basic and polar, at codon 311 of the CWC27 protein (p.Ser311Arg). This variant is not present in population databases (gnomAD no frequency). This variant has not been reported in the literature in individuals affected with CWC27-related conditions. ClinVar contains an entry for this variant (Variation ID: 1394526). Algorithms developed to predict the effect of missense changes on protein structure and function (SIFT, PolyPhen-2, Align-GVGD) all suggest that this variant is likely to be tolerated.